The following is an entry in ClinVar:

ClinVar aggregate classification (germline): Uncertain significance. Review status: criteria provided, multiple submitters, no conflicts (2 of 4 stars). 2 submissions from 2 submitters: Uncertain significance (2). Last evaluated 2022-08-30.

Conditions:
Familial thoracic aortic aneurysm and aortic dissection (TAAD). Also called: Thoracic aortic aneurysms and dissections. Identifiers: Orphanet 91387, MedGen C4707243, MONDO:0019625.

Submissions (2):

GeneDx
Classification: Uncertain significance. Last evaluated: 2022-08-30. Review status: criteria provided, single submitter. Criteria: GeneDx Variant Classification Process June 2021. Collection method: clinical testing. Allele origin: germline. Affected: yes.
Comment: Not observed at significant frequency in large population cohorts (gnomAD); In silico analysis supports that this missense variant has a deleterious effect on protein structure/function; Has not been previously published as pathogenic or benign to our knowledge

Ambry Genetics
Classification: Uncertain significance for Familial thoracic aortic aneurysm and aortic dissection. Last evaluated: 2019-02-23. Review status: criteria provided, single submitter. Criteria: Ambry Variant Classification Scheme 2023. Collection method: clinical testing. Allele origin: germline.
Comment: The p.H317Y variant (also known as c.949C>T), located in coding exon 5 of the TGFBR1 gene, results from a C to T substitution at nucleotide position 949. The histidine at codon 317 is replaced by tyrosine, an amino acid with similar properties. This amino acid position is highly conserved in available vertebrate species. In addition, this alteration is predicted to be deleterious by in silico analysis. Since supporting evidence is limited at this time, the clinical significance of this alteration remains unclear.

NM_004612.4(TGFBR1):c.949C>T (p.His317Tyr)

Gene: TGFBR1 (transforming growth factor beta receptor 1; plus strand). Cytogenetic location: 9q22.33.
Variant type: single nucleotide variant.
Coding change: c.949C>T on transcript NM_004612.4 (MANE Select); coding-DNA position 949, C replaced by T.
Protein change: p.His317Tyr; replaces histidine 317 with tyrosine.
Molecular consequence: missense variant.
Genome position (GRCh38, 1-based): chr9:99,142,679, C>T. VCF-style: chr9-99142679-C-T. GRCh37 (hg19) VCF-style: chr9-101904961-C-T.
Other names: c.718C>T, p.His240Tyr (NM_001130916.3); c.961C>T, p.His321Tyr (NM_001306210.2); short protein forms H240Y, H317Y, H321Y.
Identifiers: ClinVar variation 1703904 (VCV001703904.4), dbSNP rs2118780684, ClinGen allele CA374230793.
Genomic context (GRCh38, chr9:99,142,679, plus strand): 5'-GTTACTGTGGAAGGAATGATAAAACTTGCTCTGTCCACGGCGAGCGGTCTTGCCCATCTT[C>T]ACATGGAGATTGTTGGTACCCAAGGTAATTCTATAAGCAGTTCTATTATTTAAGCTTTAA-3'
Protein context (NP_004603.1, residues 307-327): LSTASGLAHL[His317Tyr]MEIVGTQGKP